The following is an entry in ClinVar:

NM_005477.3(HCN4):c.1600G>A (p.Val534Met)

Gene: HCN4 (hyperpolarization activated cyclic nucleotide gated potassium channel 4; minus strand). Cytogenetic location: 15q24.1.
Variant type: single nucleotide variant.
Coding change: c.1600G>A on transcript NM_005477.3 (MANE Select); coding-DNA position 1600, G replaced by A.
Protein change: p.Val534Met; replaces valine 534 with methionine.
Molecular consequence: missense variant.
Genome position (GRCh38, 1-based): chr15:73,325,435, C>T on the plus strand (G>A on the coding strand, the complement: HCN4 is on the minus strand). VCF-style: chr15-73325435-C-T. GRCh37 (hg19) VCF-style: chr15-73617776-C-T.
Other names: short protein forms V534M.
Identifiers: ClinVar variation 956685 (VCV000956685.9), dbSNP rs2042893576, ClinGen allele CA393092166.
Genomic context (GRCh38, chr15:73,325,435, plus strand): 5'-AGTCGTGGATGCGCTGCCGGGTGTCGGGCGGGAGCTTGTGAAAGGACATGTACTGCTCCA[C>T]CTGCTTGTACTGAGGCCGGGAGAAGGGGGCGTCAGCTCCACCCCACCAGGGGGCGTCAGC-3'
Protein context (NP_005468.1, residues 524-544): RRQYQEKYKQ[Val534Met]EQYMSFHKLP

ClinVar aggregate classification (germline): Uncertain significance (1 of 4 stars; one submission).

Conditions:
Brugada syndrome 8 (BRGDA8). Identifiers: Orphanet 130, MedGen C2751083, MONDO:0013148, OMIM 613123.

Submission:

Labcorp Genetics (formerly Invitae), Labcorp
Classification: Uncertain significance for Brugada syndrome 8. Last evaluated: 2022-02-10. Review status: criteria provided, single submitter. Criteria: Invitae Variant Classification Sherloc (09022015). Collection method: clinical testing. Allele origin: germline.
Comment: In summary, the available evidence is currently insufficient to determine the role of this variant in disease. Therefore, it has been classified as a Variant of Uncertain Significance. Advanced modeling of protein sequence and biophysical properties (such as structural, functional, and spatial information, amino acid conservation, physicochemical variation, residue mobility, and thermodynamic stability) performed at Invitae indicates that this missense variant is expected to disrupt HCN4 protein function. ClinVar contains an entry for this variant (Variation ID: 956685). This variant has not been reported in the literature in individuals affected with HCN4-related conditions. This variant is not present in population databases (gnomAD no frequency). This sequence change replaces valine, which is neutral and non-polar, with methionine, which is neutral and non-polar, at codon 534 of the HCN4 protein (p.Val534Met).